The following is an entry in ClinVar:

ClinVar aggregate classification (germline): Conflicting classifications of pathogenicity. Review status: criteria provided, conflicting classifications (1 of 4 stars). 4 submissions from 4 submitters: Uncertain significance (2); Likely benign (1). 1 of the submissions does not count toward it. Last evaluated 2025-11-11.

Conditions:
Hereditary cancer-predisposing syndrome. Also called: Neoplastic Syndromes, Hereditary; Tumor predisposition; Hereditary Cancer Syndrome; Hereditary neoplastic syndrome. Identifiers: Orphanet 140162, MedGen C0027672, MeSH D009386, MONDO:0015356.
Hereditary breast ovarian cancer syndrome. Also called: Breast and ovarian cancer; Hereditary breast and ovarian cancer; Hereditary breast and/or ovarian cancer syndrome; BRCA1- and BRCA2-Associated Hereditary Breast and Ovarian Cancer; Hereditary breast and ovarian cancer syndrome; Hereditary breast and ovarian cancer syndrome (HBOC). Identifiers: Orphanet 145, MedGen C0677776, MeSH D061325, MONDO:0003582. Disease mechanism: loss of function.

Submissions (4):

Ambry Genetics
Classification: Uncertain significance for Hereditary cancer-predisposing syndrome. Last evaluated: 2025-11-11. Review status: criteria provided, single submitter. Criteria: Ambry Variant Classification Scheme 2023. Collection method: clinical testing. Allele origin: germline.
Comment: The p.T1629I variant (also known as c.4886C>T), located in coding exon 10 of the BRCA2 gene, results from a C to T substitution at nucleotide position 4886. The threonine at codon 1629 is replaced by isoleucine, an amino acid with similar properties. This amino acid position is not well conserved in available vertebrate species. In addition, this alteration is predicted to be tolerated by in silico analysis. Since supporting evidence is limited at this time, the clinical significance of this alteration remains unclear.

Labcorp Genetics (formerly Invitae), Labcorp
Classification: Uncertain significance for Hereditary breast ovarian cancer syndrome. Last evaluated: 2024-01-15. Review status: criteria provided, single submitter. Criteria: Invitae Variant Classification Sherloc (09022015). Collection method: clinical testing. Allele origin: germline.
Comment: This sequence change replaces threonine, which is neutral and polar, with isoleucine, which is neutral and non-polar, at codon 1629 of the BRCA2 protein (p.Thr1629Ile). This variant is not present in population databases (gnomAD no frequency). This variant has not been reported in the literature in individuals affected with BRCA2-related conditions. ClinVar contains an entry for this variant (Variation ID: 141214). Advanced modeling of protein sequence and biophysical properties (such as structural, functional, and spatial information, amino acid conservation, physicochemical variation, residue mobility, and thermodynamic stability) performed at Invitae indicates that this missense variant is not expected to disrupt BRCA2 protein function with a negative predictive value of 95%. In summary, the available evidence is currently insufficient to determine the role of this variant in disease. Therefore, it has been classified as a Variant of Uncertain Significance.

University of Washington Department of Laboratory Medicine, University of Washington
Classification: Likely benign for Hereditary cancer-predisposing syndrome. Last evaluated: 2023-03-23. Review status: criteria provided, single submitter. Criteria: Dines et al. (Genet Med. 2020). Collection method: curation. Allele origin: germline.
Comment: Missense variant in a coldspot region where missense variants are very unlikely to be pathogenic (PMID:31911673).

BRCA2 exon 11 coldspot. Reclassification based on statistical prior probability.

Genetic Services Laboratory, University of Chicago
Classification: Uncertain significance. Last evaluated: 2022-07-15. Review status: no assertion criteria provided. Collection method: clinical testing. Allele origin: germline. Affected: no. Not counted in ClinVar's aggregate classification.
Comment: DNA sequence analysis of the BRCA2 gene demonstrated a sequence change, c.4886C>T, in exon 11 that results in an amino acid change, p.Thr1629Ile. This sequence change does not appear to have been previously described in individuals with BRCA2-related disorders and has also not been described in population databases such as ExAC and gnomAD. The p.Thr1629Ile change affects a poorly conserved amino acid residue located in a domain of the BRCA2 protein that is known to be functional. The p.Thr1629Ile substitution appears to be benign using several in-silico pathogenicity prediction tools (SIFT, PolyPhen2, Align GVGD, REVEL). Due to insufficient evidences and the lack of functional studies, the clinical significance of the p.Thr1629Ile change remains unknown at this time.

NM_000059.4(BRCA2):c.4886C>T (p.Thr1629Ile)

Gene: BRCA2 (BRCA2 DNA repair associated; plus strand). Cytogenetic location: 13q13.1.
Variant type: single nucleotide variant.
Coding change: c.4886C>T on transcript NM_000059.4 (MANE Select); coding-DNA position 4886, C replaced by T.
Protein change: p.Thr1629Ile; replaces threonine 1629 with isoleucine.
Molecular consequence: missense variant.
Genome position (GRCh38, 1-based): chr13:32,339,241, C>T. VCF-style: chr13-32339241-C-T. GRCh37 (hg19) VCF-style: chr13-32913378-C-T.
Other names: short protein forms T1629I.
Identifiers: ClinVar variation 141214 (VCV000141214.18), dbSNP rs587781581, ClinGen allele CA020949.